The following is an entry in ClinVar:

ClinVar aggregate classification (germline): Uncertain significance. Review status: criteria provided, multiple submitters, no conflicts (2 of 4 stars). 2 submissions from 2 submitters: Uncertain significance (2). Last evaluated 2025-12-01.

Conditions:
Epilepsy, X-linked 1, with variable learning disabilities and behavior disorders. Also called: X-linked epilepsy-learning disabilities-behavior disorders syndrome. Identifiers: Orphanet 85294, MedGen C5774177, MONDO:0010339, OMIM 300491.

Submissions (2):

CeGaT Center for Human Genetics Tuebingen
Classification: Uncertain significance. Last evaluated: 2025-12-01. Review status: criteria provided, single submitter. Criteria: CeGaT Center For Human Genetics Tuebingen Variant Classification Criteria Version 2. Collection method: clinical testing. Allele origin: germline. Affected: yes. Observed: 1 variant allele.
Comment: SYN1: PM2

Labcorp Genetics (formerly Invitae), Labcorp
Classification: Uncertain significance for Epilepsy, X-linked 1, with variable learning disabilities and behavior disorders. Last evaluated: 2020-06-25. Review status: criteria provided, single submitter. Criteria: Invitae Variant Classification Sherloc (09022015). Collection method: clinical testing. Allele origin: germline.
Comment: This variant is not present in population databases (ExAC no frequency). This sequence change replaces tyrosine with histidine at codon 198 of the SYN1 protein (p.Tyr198His). The tyrosine residue is moderately conserved and there is a moderate physicochemical difference between tyrosine and histidine. This variant has not been reported in the literature in individuals with SYN1-related conditions. In summary, the available evidence is currently insufficient to determine the role of this variant in disease. Therefore, it has been classified as a Variant of Uncertain Significance. Algorithms developed to predict the effect of missense changes on protein structure and function output the following: SIFT: "Tolerated"; PolyPhen-2: "Benign"; Align-GVGD: "Class C0". The histidine amino acid residue is found in multiple mammalian species, suggesting that this missense change does not adversely affect protein function. These predictions have not been confirmed by published functional studies and their clinical significance is uncertain.

NM_006950.3(SYN1):c.592T>C (p.Tyr198His)

Gene: SYN1 (synapsin I; minus strand). Cytogenetic location: Xp11.23.
Variant type: single nucleotide variant.
Coding change: c.592T>C on transcript NM_006950.3 (MANE Select); coding-DNA position 592, T replaced by C.
Protein change: p.Tyr198His; replaces tyrosine 198 with histidine.
Molecular consequence: missense variant.
Genome position (GRCh38, 1-based): chrX:47,605,315, A>G on the plus strand (T>C on the coding strand, the complement: SYN1 is on the minus strand). VCF-style: chrX-47605315-A-G. GRCh37 (hg19) VCF-style: chrX-47464714-A-G.
Other names: c.592T>C, p.Tyr198His (NM_133499.2); short protein forms Y198H.
Identifiers: ClinVar variation 1021598 (VCV001021598.14), dbSNP rs2057893070, ClinGen allele CA412824893.